The following is an entry in ClinVar:

NM_001148.6(ANK2):c.8287A>C (p.Asn2763His)

Gene: ANK2 (ankyrin 2; plus strand). Cytogenetic location: 4q26.
Variant type: single nucleotide variant.
Coding change: c.8287A>C on transcript NM_001148.6 (MANE Select); coding-DNA position 8287, A replaced by C.
Protein change: p.Asn2763His; replaces asparagine 2763 with histidine.
Molecular consequence: missense variant. On other transcripts: intron variant (68).
Genome position (GRCh38, 1-based): chr4:113,356,905, A>C. VCF-style: chr4-113356905-A-C. GRCh37 (hg19) VCF-style: chr4-114278061-A-C.
Other names: c.8053A>C, p.Asn2685His (NM_001386142.1); c.4687A>C, p.Asn1563His (NM_001386166.1); c.8428A>C, p.Asn2810His (NM_001386174.1); c.8404A>C, p.Asn2802His (NM_001386175.1); c.4412-3918A>C (NM_001386186.2, NM_001386148.2); c.4214-3918A>C (NM_001354269.3); c.4292-3918A>C (NM_001386187.2); c.4253-3918A>C (NM_001386147.1); and 35 more; short protein forms N1563H, N2685H, N2763H, N2802H, N2810H.
Identifiers: ClinVar variation 4810183 (VCV004810183.1).

ClinVar aggregate classification (germline): Uncertain significance (1 of 4 stars; one submission).

Conditions:
Long QT syndrome (LQTS). Identifiers: MedGen C0023976, MeSH D008133, MONDO:0002442. Disease mechanism: loss of function. Inheritance: Various modes of inheritance.

gnomAD v4.1: 7 of 1,613,966 alleles (0.00043%); highest among the groups gnomAD compares: Non-Finnish European, 0.00059%; no homozygotes.

Submission:

Labcorp Genetics (formerly Invitae), Labcorp
Classification: Uncertain significance for Long QT syndrome. Last evaluated: 2025-03-15. Review status: criteria provided, single submitter. Criteria: Invitae Variant Classification Sherloc (09022015). Collection method: clinical testing. Allele origin: germline.
Comment: This sequence change replaces asparagine, which is neutral and polar, with histidine, which is basic and polar, at codon 2763 of the ANK2 protein (p.Asn2763His). This variant is present in population databases (no rsID available, gnomAD 0.0009%). This variant has not been reported in the literature in individuals affected with ANK2-related conditions. An algorithm developed to predict the effect of missense changes on protein structure and function (PolyPhen-2) suggests that this variant is likely to be disruptive. In summary, the available evidence is currently insufficient to determine the role of this variant in disease. Therefore, it has been classified as a Variant of Uncertain Significance.